The following is an entry in ClinVar:

ClinVar aggregate classification (germline): Likely benign. Review status: criteria provided, multiple submitters, no conflicts (2 of 4 stars). 4 submissions from 4 submitters: Likely benign (4). Last evaluated 2025-10-01.

Conditions:
WNK1-related disorder. Also called: WNK1-related condition.
Pseudohypoaldosteronism type 2C (PHA2C). Also called: Pseudohypoaldosteronism Type IIC. Identifiers: Orphanet 757, Orphanet 88940, MedGen C1840391, MONDO:0013778, OMIM 614492.
Neuropathy, hereditary sensory and autonomic, type 2A (HSAN2A). Also called: WNK1-Related HSAN2 (HSAN2A); ACROOSTEOLYSIS, GIACCAI TYPE; ACROOSTEOLYSIS, NEUROGENIC; MORVAN DISEASE; NEUROPATHY, CONGENITAL SENSORY; NEUROPATHY, HEREDITARY SENSORY RADICULAR, AUTOSOMAL RECESSIVE. Identifiers: Orphanet 970, MedGen C2752089, MONDO:0024309, OMIM 201300.

Allele frequency attached by ClinVar (database versions not stated): ESP Exome Variant Server 0.00008; gnomAD exomes 0.00008 and 0.00013; ExAC 0.00012; gnomAD 0.00041 and 0.00043; 1000 Genomes Project 30x 0.00047; TOPMed 0.00049; 1000 Genomes Project 0.00060.
gnomAD v4.1: 186 of 1,614,204 alleles (0.012%); highest among the groups gnomAD compares: African/African-American, 0.15%; no homozygotes.

Submissions (4):

Labcorp Genetics (formerly Invitae), Labcorp
Classification: Likely benign for Neuropathy, hereditary sensory and autonomic, type 2A; Pseudohypoaldosteronism type 2C. Last evaluated: 2025-10-01. Review status: criteria provided, single submitter. Criteria: Invitae Variant Classification Sherloc (09022015). Collection method: clinical testing. Allele origin: germline.

CeGaT Center for Human Genetics Tuebingen
Classification: Likely benign. Last evaluated: 2025-05-01. Review status: criteria provided, single submitter. Criteria: CeGaT Center For Human Genetics Tuebingen Variant Classification Criteria Version 2. Collection method: clinical testing. Allele origin: germline. Affected: yes. Observed: 1 variant allele.
Comment: WNK1: BP4, BP7

PreventionGenetics, part of Exact Sciences
Classification: Likely benign for WNK1-related condition. Last evaluated: 2025-03-24. Review status: criteria provided, single submitter. Criteria: ACMG Guidelines, 2015. Collection method: clinical testing. Allele origin: germline.
Comment: This variant is classified as likely benign based on ACMG/AMP sequence variant interpretation guidelines (Richards et al. 2015 PMID: 25741868, with internal and published modifications).

Fulgent Genetics
Classification: Likely benign for Neuropathy, hereditary sensory and autonomic, type 2A; Pseudohypoaldosteronism type 2C. Last evaluated: 2021-10-02. Review status: criteria provided, single submitter. Criteria: ACMG Guidelines, 2015. Collection method: clinical testing. Allele origin: unknown.

NM_018979.4(WNK1):c.6528C>T (p.Ser2176=)

Gene: WNK1 (WNK lysine deficient protein kinase 1; plus strand). Cytogenetic location: 12p13.33.
Variant type: single nucleotide variant.
Coding change: c.6528C>T on transcript NM_018979.4 (MANE Select); coding-DNA position 6528, C replaced by T.
Protein change: p.Ser2176=; no amino-acid change (serine 2176 retained).
Molecular consequence: synonymous variant.
Genome position (GRCh38, 1-based): chr12:900,555, C>T. VCF-style: chr12-900555-C-T. GRCh37 (hg19) VCF-style: chr12-1009721-C-T.
Other names: c.7308C>T, p.Ser2436= (NM_001184985.2); c.5784C>T, p.Ser1928= (NM_014823.3); c.7284C>T, p.Ser2428= (NM_213655.5); c.6528C>T (NM_018979.3).
Identifiers: ClinVar variation 766823 (VCV000766823.23), dbSNP rs146574444, ClinGen allele CA6383424.